The following is an entry in ClinVar:

ClinVar aggregate classification (germline): Uncertain significance (1 of 4 stars; one submission).

Conditions:
Autosomal recessive limb-girdle muscular dystrophy type 2J (LGMDR10). Also called: Limb-girdle muscular dystrophy, type 2J; MUSCULAR DYSTROPHY, LIMB-GIRDLE, AUTOSOMAL RECESSIVE 10. Identifiers: Orphanet 140922, MedGen C1837342, MONDO:0012127, OMIM 608807.
Dilated cardiomyopathy 1G (CMD1G). Identifiers: Orphanet 154, MedGen C1858763, MONDO:0011400, OMIM 604145.

Submission:

Labcorp Genetics (formerly Invitae), Labcorp
Classification: Uncertain significance for Dilated cardiomyopathy 1G; Autosomal recessive limb-girdle muscular dystrophy type 2J. Last evaluated: 2025-09-28. Review status: criteria provided, single submitter. Criteria: Invitae Variant Classification Sherloc (09022015). Collection method: clinical testing. Allele origin: germline.
Comment: This sequence change replaces threonine, which is neutral and polar, with isoleucine, which is neutral and non-polar, at codon 35582 of the TTN protein (p.Thr35582Ile). This variant is not present in population databases (gnomAD no frequency). This variant has not been reported in the literature in individuals affected with TTN-related conditions. An algorithm developed to predict the effect of missense changes on protein structure and function outputs the following: PolyPhen-2: "Not Available". The isoleucine amino acid residue is found in multiple mammalian species, which suggests that this missense change does not adversely affect protein function. This variant is located in the M band of TTN (PMID: 25589632). Non-truncating variants in this region may be relevant for neuromuscular disorders, but have not been definitively shown to cause cardiomyopathy (PMID: 23975875). In summary, the available evidence is currently insufficient to determine the role of this variant in disease. Therefore, it has been classified as a Variant of Uncertain Significance.

Literature cited by the submitters: PubMed 25589632; PubMed 23975875.

NM_001267550.2(TTN):c.106745C>T (p.Thr35582Ile)

Genes: TTN-AS1 (TTN antisense RNA 1; plus strand), TTN (titin; minus strand). Cytogenetic location: 2q31.2.
Variant type: single nucleotide variant.
Coding change: c.106745C>T on transcript NM_001267550.2 (MANE Select); coding-DNA position 106745, C replaced by T.
Protein change: p.Thr35582Ile; replaces threonine 35582 with isoleucine.
Molecular consequence: missense variant.
Genome position (GRCh38, 1-based): chr2:178,529,006, G>A on the plus strand (C>T on the coding strand, the complement: TTN is on the minus strand). VCF-style: chr2-178529006-G-A. GRCh37 (hg19) VCF-style: chr2-179393733-G-A.
Other names: c.101822C>T, p.Thr33941Ile (NM_001256850.1); c.79550C>T, p.Thr26517Ile (NM_003319.4); c.99041C>T, p.Thr33014Ile (NM_133378.4); c.79925C>T, p.Thr26642Ile (NM_133432.3); c.80126C>T, p.Thr26709Ile (NM_133437.4); short protein forms T26517I, T35582I, T26642I, T33014I, T33941I, T26709I.
Identifiers: ClinVar variation 4786252 (VCV004786252.1).
Genomic context (GRCh38, chr2:178,529,006, plus strand): 5'-TCTTCTGATGCCTGTGATGTTTTAGTGATTTCCTCATGGACAATGGATTTTTCCAGGGAG[G>A]TTGCTGCTGATTTCTTGACTTCTTCAGAAATCAGAACCTTTGAAGCTTCCTCTTTGAGGG-3'
Protein context (NP_001254479.2, residues 35572-35592): ISEEVKKSAA[Thr35582Ile]SLEKSIVHEE